The following is an entry in ClinVar:

ClinVar aggregate classification (germline): Uncertain significance (1 of 4 stars; one submission).

Conditions:
Muscular dystrophy-dystroglycanopathy (congenital with impaired intellectual development), type B, 2. Also called: Muscular dystrophy-dystroglycanopathy (congenital with intellectual disability), type B2; MUSCULAR DYSTROPHY, CONGENITAL, POMT2-RELATED. Identifiers: MedGen C3150416, MONDO:0013160, OMIM 613156.
Autosomal recessive limb-girdle muscular dystrophy type 2N. Also called: MUSCULAR DYSTROPHY-DYSTROGLYCANOPATHY, LIMB-GIRDLE, POMT2-RELATED; Muscular dystrophy-dystroglycanopathy (limb-girdle), type C, 2. Identifiers: Orphanet 206559, MedGen C3150418, MONDO:0013162, OMIM 613158.
Muscular dystrophy-dystroglycanopathy (congenital with brain and eye anomalies), type A2. Also called: MUSCULAR DYSTROPHY-DYSTROGLYCANOPATHY (CONGENITAL WITH BRAIN AND EYE ANOMALIES), TYPE A, 2; WALKER-WARBURG SYNDROME OR MUSCLE-EYE-BRAIN DISEASE, POMT2-RELATED. Identifiers: Orphanet 588, Orphanet 899, MedGen C3150411, MONDO:0013154, OMIM 613150.

Submission:

Labcorp Genetics (formerly Invitae), Labcorp
Classification: Uncertain significance for Muscular dystrophy-dystroglycanopathy (congenital with impaired intellectual development), type B, 2; Muscular dystrophy-dystroglycanopathy (congenital with brain and eye anomalies), type A2; Autosomal recessive limb-girdle muscular dystrophy type 2N. Last evaluated: 2022-12-02. Review status: criteria provided, single submitter. Criteria: Invitae Variant Classification Sherloc (09022015). Collection method: clinical testing. Allele origin: germline.
Comment: This variant has not been reported in the literature in individuals affected with POMT2-related conditions. This variant is not present in population databases (gnomAD no frequency). This sequence change replaces asparagine, which is neutral and polar, with isoleucine, which is neutral and non-polar, at codon 523 of the POMT2 protein (p.Asn523Ile). In summary, the available evidence is currently insufficient to determine the role of this variant in disease. Therefore, it has been classified as a Variant of Uncertain Significance. Advanced modeling of protein sequence and biophysical properties (such as structural, functional, and spatial information, amino acid conservation, physicochemical variation, residue mobility, and thermodynamic stability) has been performed at Invitae for this missense variant, however the output from this modeling did not meet the statistical confidence thresholds required to predict the impact of this variant on POMT2 protein function. ClinVar contains an entry for this variant (Variation ID: 1502221).

NM_013382.7(POMT2):c.1568A>T (p.Asn523Ile)

Gene: POMT2 (protein O-mannosyltransferase 2; minus strand). Cytogenetic location: 14q24.3.
Variant type: single nucleotide variant.
Coding change: c.1568A>T on transcript NM_013382.7 (MANE Select); coding-DNA position 1568, A replaced by T.
Protein change: p.Asn523Ile; replaces asparagine 523 with isoleucine.
Molecular consequence: missense variant.
Genome position (GRCh38, 1-based): chr14:77,284,958, T>A on the plus strand (A>T on the coding strand, the complement: POMT2 is on the minus strand). VCF-style: chr14-77284958-T-A. GRCh37 (hg19) VCF-style: chr14-77751301-T-A.
Other names: short protein forms N523I.
Identifiers: ClinVar variation 1502221 (VCV001502221.8), dbSNP rs886042386, ClinGen allele CA390516743.